The following is an entry in ClinVar:

ClinVar aggregate classification (germline): Pathogenic. Review status: criteria provided, multiple submitters, no conflicts (2 of 4 stars). 3 submissions from 3 submitters: Pathogenic (2). 1 of the submissions does not count toward it. Last evaluated 2025-02-09.

Conditions:
Diamond-Blackfan anemia 1 (DBA1). Also called: BLACKFAN-DIAMOND SYNDROME; ANEMIA, CONGENITAL HYPOPLASTIC, OF BLACKFAN AND DIAMOND; ANEMIA, CONGENITAL ERYTHROID HYPOPLASTIC; RED CELL APLASIA, PURE, HEREDITARY; AREGENERATIVE ANEMIA, CHRONIC CONGENITAL; ERYTHROGENESIS IMPERFECTA. Identifiers: Orphanet 124, MedGen C2676137, MONDO:0007110, OMIM 105650.
Diamond-Blackfan anemia. Also called: Aase syndrome; Blackfan Diamond syndrome; Aregenerative anemia chronic congenital; Red cell aplasia, pure hereditary; Congenital hypoplastic anemia. Identifiers: Orphanet 124, MedGen C1260899, MeSH D029503, MONDO:0015253, HP:0004810.

Submissions (3):

Labcorp Genetics (formerly Invitae), Labcorp
Classification: Pathogenic for Diamond-Blackfan anemia. Last evaluated: 2025-02-09. Review status: criteria provided, single submitter. Criteria: Invitae Variant Classification Sherloc (09022015). Collection method: clinical testing. Allele origin: germline.
Comment: This sequence change creates a premature translational stop signal (p.Trp33*) in the RPS19 gene. It is expected to result in an absent or disrupted protein product. Loss-of-function variants in RPS19 are known to be pathogenic (PMID: 20960466). This variant is not present in population databases (gnomAD no frequency). This premature translational stop signal has been observed in individual(s) with clinical features of Diamond-Blackfan anemia (PMID: 10598818, 18768533). This variant is also known as G120A. ClinVar contains an entry for this variant (Variation ID: 6315). For these reasons, this variant has been classified as Pathogenic.

Molecular Diagnostics Laboratory, M Health Fairview: University of Minnesota
Classification: Pathogenic for Diamond-Blackfan anemia 1. Last evaluated: 2021-05-12. Review status: criteria provided, single submitter. Criteria: ACMG Guidelines, 2015. Collection method: clinical testing. Allele origin: germline. Affected: yes.

OMIM
Classification: Pathogenic for DIAMOND-BLACKFAN ANEMIA 1. Last evaluated: 1999-11-01. Review status: no assertion criteria provided. Collection method: literature only. Allele origin: germline. Not counted in ClinVar's aggregate classification.

Literature cited by the submitters: PubMed 20960466 (cited by Labcorp Genetics (formerly Invitae), Labcorp); PubMed 10598818 (cited by Labcorp Genetics (formerly Invitae), Labcorp and OMIM); PubMed 18768533 (cited by Labcorp Genetics (formerly Invitae), Labcorp).

NM_001022.4(RPS19):c.98G>A (p.Trp33Ter)

Genes: RPS19 (ribosomal protein S19; plus strand), RPS19-CD79A (RPS19-CD79A readthrough; plus strand). Cytogenetic location: 19q13.2.
Variant type: single nucleotide variant.
Coding change: c.98G>A on transcript NM_001022.4 (MANE Select); coding-DNA position 98, G replaced by A.
Protein change: p.Trp33Ter; replaces tryptophan 33 with a stop codon.
Molecular consequence: nonsense.
Genome position (GRCh38, 1-based): chr19:41,861,138, G>A. VCF-style: chr19-41861138-G-A. GRCh37 (hg19) VCF-style: chr19-42365207-G-A.
Other names: c.98G>A, p.Trp33Ter (NM_001321483.2, NM_001321484.2, NM_001321485.2); short protein forms W33*.
Identifiers: ClinVar variation 6315 (VCV000006315.12), dbSNP rs104894716, ClinGen allele CA130764.